The following is an entry in ClinVar:

ClinVar aggregate classification (germline): Conflicting classifications of pathogenicity. Review status: criteria provided, conflicting classifications (1 of 4 stars). 13 submissions from 13 submitters: Uncertain significance (1); Benign (4); Likely benign (6). 2 of the submissions do not count toward it. Last evaluated 2026-06-01.

Conditions:
MRE11-related disorder. Also called: MRE11-related condition.
Ataxia-telangiectasia-like disorder (ATLD). Identifiers: MedGen C1858391, MONDO:0011457.
Hereditary cancer-predisposing syndrome. Also called: Tumor predisposition; Neoplastic Syndromes, Hereditary; Hereditary Cancer Syndrome; Hereditary neoplastic syndrome. Identifiers: Orphanet 140162, MedGen C0027672, MeSH D009386, MONDO:0015356.
Ataxia-telangiectasia-like disorder 1 (ATLD1). Identifiers: Orphanet 251347, MedGen C4012790, MONDO:0024557, OMIM 604391.

Allele frequency attached by ClinVar (database versions not stated): gnomAD 0.00107 and 0.00109; ExAC 0.00113; gnomAD exomes 0.00113; TOPMed 0.00118; ESP Exome Variant Server 0.00138.

Submissions (13):

CeGaT Center for Human Genetics Tuebingen
Classification: Likely benign. Last evaluated: 2026-06-01. Review status: criteria provided, single submitter. Criteria: CeGaT Center For Human Genetics Tuebingen Variant Classification Criteria Version 2. Collection method: clinical testing. Allele origin: germline. Affected: yes. Observed: 32 variant alleles.
Comment: MRE11: BP4, BP7

Labcorp Genetics (formerly Invitae), Labcorp
Classification: Benign for Ataxia-telangiectasia-like disorder. Last evaluated: 2026-01-24. Review status: criteria provided, single submitter. Criteria: Invitae Variant Classification Sherloc (09022015). Collection method: clinical testing. Allele origin: germline.

Blueprint Genetics
Classification: Likely benign. Last evaluated: 2024-11-21. Review status: criteria provided, single submitter. Criteria: ACMG Guidelines, 2015. Collection method: clinical testing. Allele origin: germline.

Women's Health and Genetics/Laboratory Corporation of America, LabCorp
Classification: Benign. Last evaluated: 2021-01-08. Review status: criteria provided, single submitter. Criteria: LabCorp Variant Classification Summary - May 2015. Collection method: clinical testing. Allele origin: germline.

ARUP Laboratories, Molecular Genetics and Genomics, ARUP Laboratories
Classification: Likely benign for Ataxia-telangiectasia-like disorder 1. Last evaluated: 2020-12-17. Review status: criteria provided, single submitter. Criteria: ARUP Molecular Germline Variant Investigation Process 2021. Collection method: clinical testing. Allele origin: germline.

Sema4
Classification: Likely benign for Hereditary cancer-predisposing syndrome. Last evaluated: 2020-12-03. Review status: criteria provided, single submitter. Criteria: Sema4 Curation Guidelines. Collection method: curation. Allele origin: germline.

Athena Diagnostics
Classification: Benign. Last evaluated: 2018-12-21. Review status: criteria provided, single submitter. Criteria: Athena Diagnostics Criteria. Collection method: clinical testing. Allele origin: germline.

Illumina Laboratory Services, Illumina
Classification: Uncertain significance for Ataxia-telangiectasia-like disorder 1. Last evaluated: 2018-01-13. Review status: criteria provided, single submitter. Criteria: ICSL Variant Classification Criteria 13 December 2019. Collection method: clinical testing. Allele origin: germline.

Eurofins Ntd Llc (ga)
Classification: Likely benign. Last evaluated: 2015-11-25. Review status: criteria provided, single submitter. Criteria: EGL Classification Definitions 2015. Collection method: clinical testing. Allele origin: germline. Observed: 1 variant allele, 1 heterozygote.

Ambry Genetics
Classification: Likely benign for Hereditary cancer-predisposing syndrome. Last evaluated: 2014-07-25. Review status: criteria provided, single submitter. Criteria: Ambry Variant Classification Scheme 2023. Collection method: clinical testing. Allele origin: germline.

GeneDx
Classification: Benign. Last evaluated: 2013-12-02. Review status: criteria provided, single submitter. Criteria: GeneDx Variant Classification (06012015). Collection method: clinical testing. Allele origin: germline. Affected: yes.
Comment: This variant is considered likely benign or benign based on one or more of the following criteria: it is a conservative change, it occurs at a poorly conserved position in the protein, it is predicted to be benign by multiple in silico algorithms, and/or has population frequency not consistent with disease.

PreventionGenetics, part of Exact Sciences
Classification: Likely benign for MRE11-related condition. Last evaluated: 2019-10-25. Review status: no assertion criteria provided. Collection method: clinical testing. Allele origin: germline. Not counted in ClinVar's aggregate classification.
Comment: This variant is classified as likely benign based on ACMG/AMP sequence variant interpretation guidelines (Richards et al. 2015 PMID: 25741868, with internal and published modifications).

Counsyl
Classification: Likely benign for Ataxia-telangiectasia-like disorder 1. Last evaluated: 2016-07-28. Review status: no assertion criteria provided. Collection method: clinical testing. Allele origin: unknown. Not counted in ClinVar's aggregate classification.

NM_005591.4(MRE11):c.426C>T (p.Asp142=)

Gene: MRE11 (MRE11 double strand break repair nuclease; minus strand). Cytogenetic location: 11q21.
Variant type: single nucleotide variant.
Coding change: c.426C>T on transcript NM_005591.4 (MANE Select); coding-DNA position 426, C replaced by T.
Protein change: p.Asp142=; no amino-acid change (aspartic acid 142 retained).
Molecular consequence: synonymous variant.
Genome position (GRCh38, 1-based): chr11:94,478,853, G>A on the plus strand (C>T on the coding strand, the complement: MRE11 is on the minus strand). VCF-style: chr11-94478853-G-A. GRCh37 (hg19) VCF-style: chr11-94212019-G-A.
Other names: p.D142D:GAC>GAT; c.426C>T, p.Asp142= (NM_001330347.2, NM_005590.4).
Identifiers: ClinVar variation 182547 (VCV000182547.66), dbSNP rs3218740, ClinGen allele CA333732.